The following is an entry in ClinVar:

ClinVar aggregate classification (germline): Uncertain significance (1 of 4 stars; one submission).

Allele frequency attached by ClinVar (database versions not stated): gnomAD exomes below 0.00001; ExAC 0.00001.
gnomAD v4.1: 1 of 1,614,152 alleles (0.000062%); highest among the groups gnomAD compares: South Asian, 0.0011%; no homozygotes.

Submission:

Labcorp Genetics (formerly Invitae), Labcorp
Classification: Uncertain significance. Last evaluated: 2022-05-06. Review status: criteria provided, single submitter. Criteria: Invitae Variant Classification Sherloc (09022015). Collection method: clinical testing. Allele origin: germline.
Comment: This sequence change replaces serine, which is neutral and polar, with leucine, which is neutral and non-polar, at codon 3893 of the KMT2A protein (p.Ser3893Leu). This variant is present in population databases (rs782646508, gnomAD 0.0009%). In summary, the available evidence is currently insufficient to determine the role of this variant in disease. Therefore, it has been classified as a Variant of Uncertain Significance. Advanced modeling of protein sequence and biophysical properties (such as structural, functional, and spatial information, amino acid conservation, physicochemical variation, residue mobility, and thermodynamic stability) performed at Invitae indicates that this missense variant is not expected to disrupt KMT2A protein function. This variant has not been reported in the literature in individuals affected with KMT2A-related conditions.

NM_001197104.2(KMT2A):c.11678C>T (p.Ser3893Leu)

Genes: KMT2A (lysine methyltransferase 2A; plus strand), TTC36-AS1 (TTC36 and KMT2A antisense RNA 1; minus strand). Cytogenetic location: 11q23.3.
Variant type: single nucleotide variant.
Coding change: c.11678C>T on transcript NM_001197104.2 (MANE Select); coding-DNA position 11678, C replaced by T.
Protein change: p.Ser3893Leu; replaces serine 3893 with leucine.
Molecular consequence: missense variant.
Genome position (GRCh38, 1-based): chr11:118,521,931, C>T. VCF-style: chr11-118521931-C-T. GRCh37 (hg19) VCF-style: chr11-118392646-C-T.
Other names: c.11768C>T, p.Ser3923Leu (NM_001412597.1); c.11669C>T, p.Ser3890Leu (NM_005933.4); short protein forms S3893L, S3890L, S3923L.
Identifiers: ClinVar variation 1951140 (VCV001951140.5), dbSNP rs782646508, ClinGen allele CA6305018.